The following is an entry in ClinVar:

ClinVar aggregate classification (germline): Uncertain significance (1 of 4 stars; one submission).

Conditions:
Cardiovascular phenotype. Identifiers: MedGen CN230736.

Submission:

Ambry Genetics
Classification: Uncertain significance for Cardiovascular phenotype. Last evaluated: 2024-05-14. Review status: criteria provided, single submitter. Criteria: Ambry Variant Classification Scheme 2023. Collection method: clinical testing. Allele origin: germline.
Comment: The c.26686+3_26686+4delGCinsAA intronic variant, results from the deletion of two nucleotides (GC) and the insertion of two nucleotides (AA) at nucleotide positions 26686+3 to 26686+4, after coding exon 106 in the TTN gene. These nucleotide positions are poorly conserved in available vertebrate species. In silico splice site analysis predicts that this alteration will not have any significant effect on splicing. Since supporting evidence is limited at this time, the clinical significance of this alteration remains unclear.

NM_001267550.2(TTN):c.53881+3_53881+4delinsAA

Genes: TTN (titin; minus strand), TTN-AS1 (TTN antisense RNA 1; plus strand). Cytogenetic location: 2q31.2.
Variant type: Indel.
Coding change: c.53881+3_53881+4delinsAA on transcript NM_001267550.2 (MANE Select); bases 3 to 4 of the intron after coding-DNA position 53881, GC replaced by AA.
Molecular consequence: intron variant.
Genome position (GRCh38, 1-based): chr2:178,605,410-178,605,411, GC replaced by TT on the plus strand (GC replaced by AA on the coding strand, the reverse complement: TTN is on the minus strand). VCF-style: chr2-178605410-GC-TT. GRCh37 (hg19) VCF-style: chr2-179470137-GC-TT.
Other names: c.26686+3_26686+4delinsAA (NM_003319.4); c.27262+3_27262+4delinsAA (NM_133437.4); c.27061+3_27061+4delinsAA (NM_133432.3); c.46177+3_46177+4delinsAA (NM_133378.4); c.48958+3_48958+4delinsAA (NM_001256850.1); c.26686+3_26686+4delGCinsAA (NM_003319.4).
Identifiers: ClinVar variation 1794512 (VCV001794512.3), dbSNP rs2470190378, ClinGen allele CA2580064918.